The following is an entry in ClinVar:

ClinVar aggregate classification (germline): Pathogenic (1 of 4 stars; one submission).

Submission:

Labcorp Genetics (formerly Invitae), Labcorp
Classification: Pathogenic. Last evaluated: 2025-12-02. Review status: criteria provided, single submitter. Criteria: Invitae Variant Classification Sherloc (09022015). Collection method: clinical testing. Allele origin: germline.
Comment: This sequence change creates a premature translational stop signal (p.Asn581Ilefs*17) in the CD2AP gene. It is expected to result in an absent or disrupted protein product. Loss-of-function variants in CD2AP are known to be pathogenic (PMID: 10514378, 12764198, 17713465, 19131354, 30612599, 34408996). This variant is not present in population databases (gnomAD no frequency). This premature translational stop signal has been observed in individual(s) with nephropathy (PMID: 36964972). For these reasons, this variant has been classified as Pathogenic.

Literature cited by the submitters: PubMed 10514378; PubMed 12764198; PubMed 17713465; PubMed 19131354; PubMed 30612599; PubMed 34408996; PubMed 36964972.

NM_012120.3(CD2AP):c.1742del (p.Asn581fs)

Gene: CD2AP (CD2 associated protein; plus strand). Cytogenetic location: 6p12.3.
Variant type: Deletion.
Coding change: c.1742del on transcript NM_012120.3 (MANE Select); coding-DNA position 1742, one base deleted (A; older notation c.1742delA).
Protein change: p.Asn581fs; shifts the reading frame from asparagine 581.
Molecular consequence: frameshift variant.
Genome position (GRCh38, 1-based): chr6:47,609,232, A deleted; the last of 8 consecutive A bases (chr6:47,609,225-47,609,232); deleting any one gives the same sequence. VCF-style (leftmost placement, unchanged base first): chr6-47609224-GA-G. GRCh37 (hg19) VCF-style: chr6-47576960-GA-G.
Other names: short protein forms N581fs.
Identifiers: ClinVar variation 4771695 (VCV004771695.1).